The following is an entry in ClinVar:

ClinVar aggregate classification (germline): Uncertain significance (1 of 4 stars; one submission).

Conditions:
Pulmonary fibrosis and/or bone marrow failure, Telomere-related, 3. Also called: PULMONARY FIBROSIS AND/OR BONE MARROW FAILURE SYNDROME, TELOMERE-RELATED, 3. Identifiers: Orphanet 2032, MedGen C4225346, MONDO:0014613, OMIM 616373.
Dyskeratosis congenita, autosomal recessive 5 (DKCB5). Identifiers: MedGen C3554656, MONDO:0014076, OMIM 615190.

Submission:

Labcorp Genetics (formerly Invitae), Labcorp
Classification: Uncertain significance for Dyskeratosis congenita, autosomal recessive 5; Pulmonary fibrosis and/or bone marrow failure, Telomere-related, 3. Last evaluated: 2024-08-09. Review status: criteria provided, single submitter. Criteria: Invitae Variant Classification Sherloc (09022015). Collection method: clinical testing. Allele origin: germline.
Comment: This sequence change replaces serine, which is neutral and polar, with arginine, which is basic and polar, at codon 339 of the RTEL1 protein (p.Ser339Arg). This variant is not present in population databases (gnomAD no frequency). This variant has not been reported in the literature in individuals affected with RTEL1-related conditions. An algorithm developed to predict the effect of missense changes on protein structure and function outputs the following: PolyPhen-2: "Benign". The arginine amino acid residue is found in multiple mammalian species, which suggests that this missense change does not adversely affect protein function. In summary, the available evidence is currently insufficient to determine the role of this variant in disease. Therefore, it has been classified as a Variant of Uncertain Significance.

NM_001283009.2(RTEL1):c.1017C>A (p.Ser339Arg)

Genes: RTEL1 (regulator of telomere elongation helicase 1; plus strand), RTEL1-TNFRSF6B (RTEL1-TNFRSF6B readthrough (NMD candidate); plus strand). Cytogenetic location: 20q13.33.
Variant type: single nucleotide variant.
Coding change: c.1017C>A on transcript NM_001283009.2 (MANE Select); coding-DNA position 1017, C replaced by A.
Protein change: p.Ser339Arg; replaces serine 339 with arginine.
Molecular consequence: missense variant. On other transcripts: non-coding transcript variant (1).
Genome position (GRCh38, 1-based): chr20:63,678,326, C>A. VCF-style: chr20-63678326-C-A. GRCh37 (hg19) VCF-style: chr20-62309679-C-A.
Other names: c.348C>A, p.Ser116Arg (NM_001283010.1); c.1017C>A, p.Ser339Arg (NM_016434.4); c.1089C>A, p.Ser363Arg (NM_032957.5); short protein forms S116R, S339R, S363R.
Identifiers: ClinVar variation 3757607 (VCV003757607.2).
Genomic context (GRCh38, chr20:63,678,326, plus strand): 5'-AGTGATCCTGCTGCGCCTGGAGGGGGCCATCGATGCTGTTGAGCTGCCTGGAGACGACAG[C>A]GGTGTCACCAAGCCAGGGAGGTGAGAGGCGGGGAGCCAGCCCCTTCACTGCAGGCCCAGC-3'
Protein context (NP_001269938.1, residues 329-349): IDAVELPGDD[Ser339Arg]GVTKPGSYIF